The following is an entry in ClinVar:

NM_001286.5(CLCN6):c.173A>G (p.Asn58Ser)

Gene: CLCN6 (chloride voltage-gated channel 6; plus strand). Cytogenetic location: 1p36.22.
Variant type: single nucleotide variant.
Coding change: c.173A>G on transcript NM_001286.5 (MANE Select); coding-DNA position 173, A replaced by G.
Protein change: p.Asn58Ser; replaces asparagine 58 with serine.
Molecular consequence: missense variant. On other transcripts: non-coding transcript variant (1), intron variant (1).
Genome position (GRCh38, 1-based): chr1:11,815,871, A>G. VCF-style: chr1-11815871-A-G. GRCh37 (hg19) VCF-style: chr1-11875928-A-G.
Other names: c.148-744A>G (NM_001256959.2); short protein forms N58S.
Identifiers: ClinVar variation 2186746 (VCV002186746.4), dbSNP rs1460591535, ClinGen allele CA338425449.

ClinVar aggregate classification (germline): Uncertain significance (1 of 4 stars; one submission).

Allele frequency attached by ClinVar (database versions not stated): gnomAD 0.00001.
gnomAD v4.1: 6 of 1,613,906 alleles (0.00037%); highest among the groups gnomAD compares: East Asian, 0.0045%; no homozygotes.

Submission:

Labcorp Genetics (formerly Invitae), Labcorp
Classification: Uncertain significance. Last evaluated: 2023-04-28. Review status: criteria provided, single submitter. Criteria: Invitae Variant Classification Sherloc (09022015). Collection method: clinical testing. Allele origin: germline.
Comment: In summary, the available evidence is currently insufficient to determine the role of this variant in disease. Therefore, it has been classified as a Variant of Uncertain Significance. An algorithm developed to predict the effect of missense changes on protein structure and function (PolyPhen-2) suggests that this variant is likely to be tolerated. ClinVar contains an entry for this variant (Variation ID: 2186746). This variant has not been reported in the literature in individuals affected with CLCN6-related conditions. This variant is present in population databases (no rsID available, gnomAD 0.005%). This sequence change replaces asparagine, which is neutral and polar, with serine, which is neutral and polar, at codon 58 of the CLCN6 protein (p.Asn58Ser).